The following is an entry in ClinVar:

ClinVar aggregate classification (germline): Likely pathogenic (1 of 4 stars; one submission).

Conditions:
Noonan syndrome 10 (NS10). Identifiers: Orphanet 648, MedGen C4225280, MONDO:0014693, OMIM 616564.

Submission:

MVZ Medizinische Genetik Mainz
Classification: Likely pathogenic for Noonan syndrome 10. Last evaluated: 2023-11-02. Review status: criteria provided, single submitter. Criteria: UK Practice Guidelines For Variant Classification V4 01 2020. Collection method: clinical testing. Allele origin: germline. Inheritance: Autosomal dominant inheritance. Affected: yes. Observed: 1 variant allele.
Comment: ACMG Criteria: PS2_MOD,PS4_SUP,PM1_SUP,PM2_SUP,PM5_SUP

NM_006767.4(LZTR1):c.407A>G (p.Tyr136Cys)

Gene: LZTR1 (leucine zipper like post translational regulator 1; plus strand). Cytogenetic location: 22q11.21.
Variant type: single nucleotide variant.
Coding change: c.407A>G on transcript NM_006767.4 (MANE Select); coding-DNA position 407, A replaced by G.
Protein change: p.Tyr136Cys; replaces tyrosine 136 with cysteine.
Molecular consequence: missense variant.
Genome position (GRCh38, 1-based): chr22:20,988,016, A>G. VCF-style: chr22-20988016-A-G. GRCh37 (hg19) VCF-style: chr22-21342305-A-G.
Other names: short protein forms Y136C.
Identifiers: ClinVar variation 4857306 (VCV004857306.1).